The following is an entry in ClinVar:

NM_001243279.3(ACSF3):c.336G>T (p.Gln112His)

Gene: ACSF3 (acyl-CoA synthetase family member 3; plus strand). Cytogenetic location: 16q24.3.
Variant type: single nucleotide variant.
Coding change: c.336G>T on transcript NM_001243279.3 (MANE Select); coding-DNA position 336, G replaced by T.
Protein change: p.Gln112His; replaces glutamine 112 with histidine.
Molecular consequence: missense variant. On other transcripts: non-coding transcript variant (3), intron variant (1).
Genome position (GRCh38, 1-based): chr16:89,101,017, G>T. VCF-style: chr16-89101017-G-T. GRCh37 (hg19) VCF-style: chr16-89167425-G-T.
Other names: c.336G>T, p.Gln112His (NM_001127214.4, NM_174917.5); c.-129-1587G>T (NM_001284316.2); short protein forms Q112H.
Identifiers: ClinVar variation 450630 (VCV000450630.2), dbSNP rs1218881155, ClinGen allele CA397133901.

ClinVar aggregate classification (germline): Uncertain significance (1 of 4 stars; one submission).

Allele frequency attached by ClinVar (database versions not stated): gnomAD exomes below 0.00001.
gnomAD v4.1: 1 of 1,613,804 alleles (0.000062%); highest among the groups gnomAD compares: East Asian, 0.0022%; no homozygotes.

Submission:

GeneDx
Classification: Uncertain significance. Last evaluated: 2017-07-25. Review status: criteria provided, single submitter. Criteria: GeneDx Variant Classification (06012015). Collection method: clinical testing. Allele origin: germline. Affected: yes.
Comment: The Q112H variant in the ACSF3 gene has not been reported previously as a pathogenic variant, nor as a benign variant, to our knowledge. The Q112H variant is not observed in large population cohorts (Lek et al., 2016; 1000 Genomes Consortium et al., 2015; Exome Variant Server). The Q112H variant is a semi-conservative amino acid substitution, which may impact secondary protein structure as these residues differ in some properties. This substitution occurs at a position that is conserved across species. In silico analysis predicts this variant is probably damaging to the protein structure/function. We interpret Q112H as a variant of uncertain significance.